The following is an entry in ClinVar:

NM_000353.3(TAT):c.224C>T (p.Ser75Phe)

Gene: TAT (tyrosine aminotransferase; minus strand). Cytogenetic location: 16q22.2.
Variant type: single nucleotide variant.
Coding change: c.224C>T on transcript NM_000353.3 (MANE Select); coding-DNA position 224, C replaced by T.
Protein change: p.Ser75Phe; replaces serine 75 with phenylalanine.
Molecular consequence: missense variant.
Genome position (GRCh38, 1-based): chr16:71,576,192, G>A on the plus strand (C>T on the coding strand, the complement: TAT is on the minus strand). VCF-style: chr16-71576192-G-A. GRCh37 (hg19) VCF-style: chr16-71610095-G-A.
Other names: short protein forms S75F.
Identifiers: ClinVar variation 1056879 (VCV001056879.2), dbSNP rs773076331, ClinGen allele CA8154062.

ClinVar aggregate classification (germline): Uncertain significance (1 of 4 stars; one submission).

Conditions:
Tyrosinemia type II (TYRSN2). Also called: OREGON TYPE TYROSINEMIA; TAT DEFICIENCY; TYROSINE AMINOTRANSFERASE DEFICIENCY; TYROSINE TRANSAMINASE DEFICIENCY; KERATOSIS PALMOPLANTARIS WITH CORNEAL DYSTROPHY. Identifiers: Orphanet 28378, MedGen C0268487, MONDO:0010160, OMIM 276600.

Allele frequency attached by ClinVar (database versions not stated): gnomAD 0.00002; TOPMed 0.00002; gnomAD exomes 0.00005 and 0.00012; ExAC 0.00012.
gnomAD v4.1: 34 of 1,613,874 alleles (0.0021%); highest among the groups gnomAD compares: Admixed American, 0.057%; no homozygotes.

Submission:

Labcorp Genetics (formerly Invitae), Labcorp
Classification: Uncertain significance for Tyrosinemia type II. Last evaluated: 2021-08-27. Review status: criteria provided, single submitter. Criteria: Invitae Variant Classification Sherloc (09022015). Collection method: clinical testing. Allele origin: germline.
Comment: This sequence change replaces serine with phenylalanine at codon 75 of the TAT protein (p.Ser75Phe). The serine residue is weakly conserved and there is a large physicochemical difference between serine and phenylalanine. This variant is present in population databases (rs773076331, ExAC 0.1%). This variant has not been reported in the literature in individuals affected with TAT-related conditions. Algorithms developed to predict the effect of missense changes on protein structure and function are either unavailable or do not agree on the potential impact of this missense change (SIFT: "Deleterious"; PolyPhen-2: "Possibly Damaging"; Align-GVGD: "Class C0"). In summary, the available evidence is currently insufficient to determine the role of this variant in disease. Therefore, it has been classified as a Variant of Uncertain Significance.